The following is an entry in ClinVar:

ClinVar aggregate classification (germline): Uncertain significance. Review status: criteria provided, multiple submitters, no conflicts (2 of 4 stars). 8 submissions from 8 submitters: Uncertain significance (8). Last evaluated 2025-12-10.

Conditions:
Fanconi anemia complementation group J. Also called: BRIP1-Related Fanconi Anemia. Identifiers: Orphanet 84, MedGen C1836860, MONDO:0012187, OMIM 609054.
Familial cancer of breast. Also called: Hereditary breast cancer; BREAST CANCER, FAMILIAL; hereditary breast carcinoma. Identifiers: Orphanet 227535, MedGen C0346153, MONDO:0016419, OMIM 114480. Disease mechanism: loss of function.
Hereditary cancer-predisposing syndrome. Also called: Tumor predisposition; Neoplastic Syndromes, Hereditary; Hereditary Cancer Syndrome; Hereditary neoplastic syndrome. Identifiers: Orphanet 140162, MedGen C0027672, MeSH D009386, MONDO:0015356.

Allele frequency attached by ClinVar (database versions not stated): gnomAD exomes below 0.00001; ExAC 0.00001; TOPMed 0.00001.
gnomAD v4.1: 1 of 1,613,832 alleles (0.000062%); highest among the groups gnomAD compares: Admixed American, 0.0017%; no homozygotes.

Submissions (8):

Labcorp Genetics (formerly Invitae), Labcorp
Classification: Uncertain significance for Familial cancer of breast; Fanconi anemia complementation group J. Last evaluated: 2025-12-10. Review status: criteria provided, single submitter. Criteria: Invitae Variant Classification Sherloc (09022015). Collection method: clinical testing. Allele origin: germline.
Comment: This sequence change replaces threonine, which is neutral and polar, with alanine, which is neutral and non-polar, at codon 1123 of the BRIP1 protein (p.Thr1123Ala). This variant is present in population databases (rs754056526, gnomAD 0.003%). This variant has not been reported in the literature in individuals affected with BRIP1-related conditions. ClinVar contains an entry for this variant (Variation ID: 418644). Invitae Evidence Modeling of protein sequence and biophysical properties (such as structural, functional, and spatial information, amino acid conservation, physicochemical variation, residue mobility, and thermodynamic stability) indicates that this missense variant is not expected to disrupt BRIP1 protein function with a negative predictive value of 95%. In summary, the available evidence is currently insufficient to determine the role of this variant in disease. Therefore, it has been classified as a Variant of Uncertain Significance.

Ambry Genetics
Classification: Uncertain significance for Hereditary cancer-predisposing syndrome. Last evaluated: 2025-11-05. Review status: criteria provided, single submitter. Criteria: Ambry Variant Classification Scheme 2023. Collection method: clinical testing. Allele origin: germline.
Comment: The p.T1123A variant (also known as c.3367A>G), located in coding exon 19 of the BRIP1 gene, results from an A to G substitution at nucleotide position 3367. The threonine at codon 1123 is replaced by alanine, an amino acid with similar properties. This amino acid position is well conserved in available vertebrate species. In addition, this alteration is predicted to be tolerated by in silico analysis. Since supporting evidence is limited at this time, the clinical significance of this alteration remains unclear.

Baylor Genetics
Classification: Uncertain significance for Familial cancer of breast. Last evaluated: 2023-10-29. Review status: criteria provided, single submitter. Criteria: ACMG Guidelines, 2015. Collection method: clinical testing. Allele origin: unknown.

Sema4
Classification: Uncertain significance for Hereditary cancer-predisposing syndrome. Last evaluated: 2022-03-08. Review status: criteria provided, single submitter. Criteria: Sema4 Curation Guidelines. Collection method: curation. Allele origin: germline.
Comment: The BRIP1 c.3367A>G (p.T1123A) variant has not been reported in the literature to our knowledge. This variant was observed in 1/34582 chromosomes in the Latino population according to the Genome Aggregation Database (PMID: 32461654), and has been reported in ClinVar (Variation ID: 418644). Functional studies have not been performed, and in silico predictions of the variant's effect on protein function are inconclusive. The evidence is insufficient to meet ACMG/AMP criteria for classifying the variant as benign or pathogenic. Thus, the clinical significance of this variant is currently uncertain.

Color Diagnostics, LLC DBA Color Health
Classification: Uncertain significance for Hereditary cancer-predisposing syndrome. Last evaluated: 2021-12-21. Review status: criteria provided, single submitter. Criteria: ACMG Guidelines, 2015. Collection method: clinical testing. Allele origin: germline.
Comment: This missense variant replaces threonine with alanine at codon 1123 of the BRIP1 protein. Computational prediction suggests that this variant may not impact protein structure and function (internally defined REVEL score threshold <= 0.5, PMID: 27666373). To our knowledge, functional studies have not been reported for this variant. This variant has not been reported in individuals affected with hereditary cancer in the literature. This variant has been identified in 1/250768 chromosomes in the general population by the Genome Aggregation Database (gnomAD). The available evidence is insufficient to determine the role of this variant in disease conclusively. Therefore, this variant is classified as a Variant of Uncertain Significance.

Quest Diagnostics Nichols Institute San Juan Capistrano
Classification: Uncertain significance. Last evaluated: 2017-03-31. Review status: criteria provided, single submitter. Criteria: Quest Diagnostics criteria. Collection method: clinical testing. Allele origin: germline.

PreventionGenetics, part of Exact Sciences
Classification: Uncertain significance. Last evaluated: 2016-12-30. Review status: criteria provided, single submitter. Criteria: ACMG Guidelines, 2015. Collection method: clinical testing. Allele origin: germline.

GeneDx
Classification: Uncertain significance. Last evaluated: 2015-03-04. Review status: criteria provided, single submitter. Criteria: GeneDx Variant Classification (06012015). Collection method: clinical testing. Allele origin: germline. Affected: yes.
Comment: This variant is denoted BRIP1 c.3367A>G at the cDNA level, p.Thr1123Ala (T1123A) at the protein level, and results in the change of a Threonine to an Alanine (ACA>GCA). This variant has not, to our knowledge, been published in the literature as pathogenic or benign. BRIP1 Thr1123Ala was not observed in approximately 6,500 individuals of European and African American ancestry in the NHLBI Exome Sequencing Project, indicating it is not a common benign variant in these populations. Since Threonine and Alanine differ in polarity, charge, size or other properties, this is considered a non-conservative amino acid substitution. BRIP1 Thr1123Ala occurs at a position that is conserved across mammals, with Alanine being the naturally occurring amino acid at this position in two species, and is not located in a known functional domain (UniProt). In silico analyses are inconsistent regarding the effect this variant may have on protein structure and function. Based on currently available information, it is unclear whether BRIP1 Thr1123Ala is pathogenic or benign. We consider it to be a variant of uncertain significance.

NM_032043.3(BRIP1):c.3367A>G (p.Thr1123Ala)

Gene: BRIP1 (BRCA1 interacting DNA helicase 1; minus strand). Cytogenetic location: 17q23.2.
Variant type: single nucleotide variant.
Coding change: c.3367A>G on transcript NM_032043.3 (MANE Select); coding-DNA position 3367, A replaced by G.
Protein change: p.Thr1123Ala; replaces threonine 1123 with alanine.
Molecular consequence: missense variant.
Genome position (GRCh38, 1-based): chr17:61,683,679, T>C on the plus strand (A>G on the coding strand, the complement: BRIP1 is on the minus strand). VCF-style: chr17-61683679-T-C. GRCh37 (hg19) VCF-style: chr17-59761040-T-C.
Other names: short protein forms T1123A.
Identifiers: ClinVar variation 418644 (VCV000418644.20), dbSNP rs754056526, ClinGen allele CA8690368.